The following is an entry in ClinVar:

ClinVar aggregate classification (germline): Uncertain significance (1 of 4 stars; one submission).

gnomAD v4.1: 3 of 1,609,600 alleles (0.00019%); highest among the groups gnomAD compares: Admixed American, 0.0051%; no homozygotes.

Submission:

Labcorp Genetics (formerly Invitae), Labcorp
Classification: Uncertain significance. Last evaluated: 2022-08-22. Review status: criteria provided, single submitter. Criteria: Invitae Variant Classification Sherloc (09022015). Collection method: clinical testing. Allele origin: germline.
Comment: This sequence change replaces phenylalanine, which is neutral and non-polar, with leucine, which is neutral and non-polar, at codon 46 of the CACNA2D4 protein (p.Phe46Leu). This variant is not present in population databases (gnomAD no frequency). This variant has not been reported in the literature in individuals affected with CACNA2D4-related conditions. Algorithms developed to predict the effect of missense changes on protein structure and function output the following: SIFT: "Tolerated"; PolyPhen-2: "Benign"; Align-GVGD: "Class C0". The leucine amino acid residue is found in multiple mammalian species, which suggests that this missense change does not adversely affect protein function. In summary, the available evidence is currently insufficient to determine the role of this variant in disease. Therefore, it has been classified as a Variant of Uncertain Significance.

NM_172364.5(CACNA2D4):c.138T>G (p.Phe46Leu)

Gene: CACNA2D4 (calcium voltage-gated channel auxiliary subunit alpha2delta 4; minus strand). Cytogenetic location: 12p13.33.
Variant type: single nucleotide variant.
Coding change: c.138T>G on transcript NM_172364.5 (MANE Select); coding-DNA position 138, T replaced by G.
Protein change: p.Phe46Leu; replaces phenylalanine 46 with leucine.
Molecular consequence: missense variant.
Genome position (GRCh38, 1-based): chr12:1,918,336, A>C on the plus strand (T>G on the coding strand, the complement: CACNA2D4 is on the minus strand). VCF-style: chr12-1918336-A-C. GRCh37 (hg19) VCF-style: chr12-2027502-A-C.
Other names: short protein forms F46L.
Identifiers: ClinVar variation 1938512 (VCV001938512.5), dbSNP rs779244511, ClinGen allele CA383366176.